The following is an entry in ClinVar:

ClinVar aggregate classification (germline): Uncertain significance (1 of 4 stars; one submission).

Conditions:
DPAGT1-congenital disorder of glycosylation. Also called: CONGENITAL DISORDER OF GLYCOSYLATION, TYPE Ij; DPAGT1-CDG; CDG Ij. Identifiers: Orphanet 86309, MedGen C2931004, MONDO:0011964, OMIM 608093.
Congenital myasthenic syndrome 13 (CMS13). Also called: Myasthenic syndrome, congenital, 13, with tubular aggregates; Myasthenic syndrome, congenital, with tubular aggregates 2. Identifiers: Orphanet 353327, Orphanet 590, MedGen C3553645, MONDO:0013883, OMIM 614750.

Allele frequency attached by ClinVar (database versions not stated): TOPMed below 0.00001; ExAC 0.00001; ESP Exome Variant Server 0.00008.
gnomAD v4.1: 1 of 1,613,914 alleles (0.000062%); highest among the groups gnomAD compares: Non-Finnish European, 0.000085%; no homozygotes.

Submission:

Labcorp Genetics (formerly Invitae), Labcorp
Classification: Uncertain significance for Congenital myasthenic syndrome 13; DPAGT1-congenital disorder of glycosylation. Last evaluated: 2022-07-06. Review status: criteria provided, single submitter. Criteria: Invitae Variant Classification Sherloc (09022015). Collection method: clinical testing. Allele origin: germline.
Comment: This sequence change replaces glycine, which is neutral and non-polar, with alanine, which is neutral and non-polar, at codon 237 of the DPAGT1 protein (p.Gly237Ala). This variant is present in population databases (rs370044741, gnomAD 0.0009%). This variant has not been reported in the literature in individuals affected with DPAGT1-related conditions. Algorithms developed to predict the effect of missense changes on protein structure and function (SIFT, PolyPhen-2, Align-GVGD) all suggest that this variant is likely to be tolerated. In summary, the available evidence is currently insufficient to determine the role of this variant in disease. Therefore, it has been classified as a Variant of Uncertain Significance.

NM_001382.4(DPAGT1):c.710G>C (p.Gly237Ala)

Gene: DPAGT1 (dolichyl-phosphate N-acetylglucosaminephosphotransferase 1; minus strand). Cytogenetic location: 11q23.3.
Variant type: single nucleotide variant.
Coding change: c.710G>C on transcript NM_001382.4 (MANE Select); coding-DNA position 710, G replaced by C.
Protein change: p.Gly237Ala; replaces glycine 237 with alanine.
Molecular consequence: missense variant.
Genome position (GRCh38, 1-based): chr11:119,098,421, C>G on the plus strand (G>C on the coding strand, the complement: DPAGT1 is on the minus strand). VCF-style: chr11-119098421-C-G. GRCh37 (hg19) VCF-style: chr11-118969131-C-G.
Other names: short protein forms G237A.
Identifiers: ClinVar variation 2097213 (VCV002097213.4), dbSNP rs370044741, ClinGen allele CA6314564.